The following is an entry in ClinVar:

NM_000116.5(TAFAZZIN):c.646+5G>T

Gene: TAFAZZIN (tafazzin, phospholipid-lysophospholipid transacylase; plus strand). Cytogenetic location: Xq28.
Variant type: single nucleotide variant.
Coding change: c.646+5G>T on transcript NM_000116.5 (MANE Select); 5 bases into the intron after coding-DNA position 646, G replaced by T.
Molecular consequence: intron variant.
Genome position (GRCh38, 1-based): chrX:154,420,099, G>T. VCF-style: chrX-154420099-G-T. GRCh37 (hg19) VCF-style: chrX-153648438-G-T.
Other names: c.658+5G>T (NM_001303465.2); c.610+5G>T (NM_001410698.1); c.604+5G>T (NM_181312.4); c.556+5G>T (NM_181311.4); c.514+5G>T (NM_181313.4).
Identifiers: ClinVar variation 3725443 (VCV003725443.2).

ClinVar aggregate classification (germline): Uncertain significance (1 of 4 stars; one submission).

Conditions:
3-Methylglutaconic aciduria type 2 (BTHS). Also called: Barth syndrome; CARDIOSKELETAL MYOPATHY WITH NEUTROPENIA AND ABNORMAL MITOCHONDRIA. Identifiers: Orphanet 111, MedGen C0574083, MONDO:0010543, OMIM 302060.

Submission:

Labcorp Genetics (formerly Invitae), Labcorp
Classification: Uncertain significance for 3-Methylglutaconic aciduria type 2. Last evaluated: 2024-11-17. Review status: criteria provided, single submitter. Criteria: Invitae Variant Classification Sherloc (09022015). Collection method: clinical testing. Allele origin: germline.
Comment: This sequence change falls in intron 8 of the TAZ gene. It does not directly change the encoded amino acid sequence of the TAZ protein. It affects a nucleotide within the consensus splice site. This variant is not present in population databases (gnomAD no frequency). This variant has not been reported in the literature in individuals affected with TAZ-related conditions. Variants that disrupt the consensus splice site are a relatively common cause of aberrant splicing (PMID: 17576681, 9536098). Algorithms developed to predict the effect of sequence changes on RNA splicing suggest that this variant may disrupt the consensus splice site. In summary, the available evidence is currently insufficient to determine the role of this variant in disease. Therefore, it has been classified as a Variant of Uncertain Significance.

Literature cited by the submitters: PubMed 17576681; PubMed 9536098.